The following is an entry in ClinVar:

NM_173354.5(SIK1):c.1991A>G (p.Gln664Arg)

Gene: SIK1 (salt inducible kinase 1; minus strand). Cytogenetic location: 21q22.3.
Variant type: single nucleotide variant.
Coding change: c.1991A>G on transcript NM_173354.5 (MANE Select); coding-DNA position 1991, A replaced by G.
Protein change: p.Gln664Arg; replaces glutamine 664 with arginine.
Molecular consequence: missense variant.
Genome position (GRCh38, 1-based): chr21:43,417,103, T>C on the plus strand (A>G on the coding strand, the complement: SIK1 is on the minus strand). VCF-style: chr21-43417103-T-C. GRCh37 (hg19) VCF-style: chr21-44836983-T-C.
Other names: short protein forms Q664R.
Identifiers: ClinVar variation 1055487 (VCV001055487.7), dbSNP rs2146468135, ClinGen allele CA410606872.

ClinVar aggregate classification (germline): Uncertain significance (1 of 4 stars; one submission).

Conditions:
Developmental and epileptic encephalopathy, 30 (DEE30). Also called: Epileptic encephalopathy, early infantile, 30. Identifiers: MedGen C4225360, MONDO:0014595, OMIM 616341.

Submission:

Labcorp Genetics (formerly Invitae), Labcorp
Classification: Uncertain significance for Developmental and epileptic encephalopathy, 30. Last evaluated: 2023-04-23. Review status: criteria provided, single submitter. Criteria: Invitae Variant Classification Sherloc (09022015). Collection method: clinical testing. Allele origin: germline.
Comment: In summary, the available evidence is currently insufficient to determine the role of this variant in disease. Therefore, it has been classified as a Variant of Uncertain Significance. Advanced modeling of protein sequence and biophysical properties (such as structural, functional, and spatial information, amino acid conservation, physicochemical variation, residue mobility, and thermodynamic stability) performed at Invitae indicates that this missense variant is not expected to disrupt SIK1 protein function. ClinVar contains an entry for this variant (Variation ID: 1055487). This variant has not been reported in the literature in individuals affected with SIK1-related conditions. This variant is not present in population databases (gnomAD no frequency). This sequence change replaces glutamine, which is neutral and polar, with arginine, which is basic and polar, at codon 664 of the SIK1 protein (p.Gln664Arg).